The following is an entry in ClinVar:

ClinVar aggregate classification (germline): Uncertain significance. Review status: criteria provided, multiple submitters, no conflicts (2 of 4 stars). 2 submissions from 2 submitters: Uncertain significance (2). Last evaluated 2025-03-26.

Conditions:
3-methylglutaconic aciduria with deafness, encephalopathy, and Leigh-like syndrome (MEGDEL). Also called: SERAC1 Deficiency; 3-METHYLGLUTACONIC ACIDURIA, TYPE VI; MEGDEL syndrome. Identifiers: Orphanet 352328, MedGen C4040739, MONDO:0013875, OMIM 614739.

Submissions (2):

GeneDx
Classification: Uncertain significance. Last evaluated: 2025-03-26. Review status: criteria provided, single submitter. Criteria: GeneDx Variant Classification Process June 2021. Collection method: clinical testing. Allele origin: germline. Affected: yes.
Comment: Not observed at significant frequency in large population cohorts (gnomAD); In silico analysis supports a deleterious effect on splicing; Has not been previously published as pathogenic or benign to our knowledge

Labcorp Genetics (formerly Invitae), Labcorp
Classification: Uncertain significance for 3-methylglutaconic aciduria with deafness, encephalopathy, and Leigh-like syndrome. Last evaluated: 2020-09-10. Review status: criteria provided, single submitter. Criteria: Invitae Variant Classification Sherloc (09022015). Collection method: clinical testing. Allele origin: germline.
Comment: This sequence change falls in intron 6 of the SERAC1 gene. It does not directly change the encoded amino acid sequence of the SERAC1 protein, but it affects a nucleotide within the consensus splice site of the intron. This variant is not present in population databases (ExAC no frequency). This variant has been observed in individual(s) with features of MEGDEL syndrome (Invitae). Nucleotide substitutions within the consensus splice site are a relatively common cause of aberrant splicing (PMID: 17576681, 9536098). Algorithms developed to predict the effect of sequence changes on RNA splicing suggest that this variant may disrupt the consensus splice site, but this prediction has not been confirmed by published transcriptional studies. In summary, the available evidence is currently insufficient to determine the role of this variant in disease. Therefore, it has been classified as a Variant of Uncertain Significance.

Literature cited by the submitters: PubMed 17576681 (cited by Labcorp Genetics (formerly Invitae), Labcorp); PubMed 9536098 (cited by Labcorp Genetics (formerly Invitae), Labcorp).

NM_032861.4(SERAC1):c.488-3T>G

Gene: SERAC1 (serine active site containing 1; minus strand). Cytogenetic location: 6q25.3.
Variant type: single nucleotide variant.
Coding change: c.488-3T>G on transcript NM_032861.4 (MANE Select); 3 bases into the intron before coding-DNA position 488, T replaced by G.
Molecular consequence: intron variant.
Genome position (GRCh38, 1-based): chr6:158,144,423, A>C on the plus strand (T>G on the coding strand, the complement: SERAC1 is on the minus strand). VCF-style: chr6-158144423-A-C. GRCh37 (hg19) VCF-style: chr6-158565455-A-C.
Identifiers: ClinVar variation 1057801 (VCV001057801.11), dbSNP rs2128420377, ClinGen allele CA2499218181.